The following is an entry in ClinVar:

NM_000478.6(ALPL):c.306C>T (p.Asn102=)

Gene: ALPL (alkaline phosphatase, biomineralization associated; plus strand). Cytogenetic location: 1p36.12.
Variant type: single nucleotide variant.
Coding change: c.306C>T on transcript NM_000478.6 (MANE Select); coding-DNA position 306, C replaced by T.
Protein change: p.Asn102=; no amino-acid change (asparagine 102 retained).
Molecular consequence: synonymous variant.
Genome position (GRCh38, 1-based): chr1:21,563,118, C>T. VCF-style: chr1-21563118-C-T. GRCh37 (hg19) VCF-style: chr1-21889611-C-T.
Other names: c.141C>T, p.Asn47= (NM_001127501.4); c.75C>T, p.Asn25= (NM_001177520.3); c.306C>T, p.Asn102= (NM_001369803.2, NM_001369804.2, NM_001369805.2); c.306C>T (NM_000478.5).
Identifiers: ClinVar variation 873823 (VCV000873823.20), dbSNP rs1015578994, ClinGen allele CA19059098.

ClinVar aggregate classification (germline): Conflicting classifications of pathogenicity. Review status: criteria provided, conflicting classifications (1 of 4 stars). 6 submissions from 6 submitters: Likely pathogenic (1); Uncertain significance (2); Likely benign (2). 1 of the submissions does not count toward it. Last evaluated 2026-09-01.

Conditions:
ALPL-related disorder. Also called: ALPL-related disorders; ALPL-related condition.
Hypophosphatasia. Also called: Phosphoethanol-aminuria. Identifiers: Orphanet 436, MedGen C0020630, MeSH D007014, MONDO:0018570.

Allele frequency attached by ClinVar (database versions not stated): gnomAD 0.00002; gnomAD exomes 0.00002; TOPMed 0.00002.
gnomAD v4.1: 31 of 1,613,522 alleles (0.0019%); highest among the groups gnomAD compares: Non-Finnish European, 0.0024%; no homozygotes.

Submissions (6):

Genomenon, Inc
Classification: Likely benign for Hypophosphatasia. Last evaluated: 2026-09-01. Review status: criteria provided, single submitter. Criteria: Genomenon Sequence Variant Interpretation Standards - Updated. Collection method: curation. Allele origin: germline. Affected: no.
Comment: ALPL c.306C>T is a synonymous variant that retains Asparagine at codon 102. This variant has been reported in the published literature (PMID:40386289). It is absent or not present at a significant frequency in gnomAD. This variant is not predicted to impact splicing. In conclusion, we classify ALPL p.Asn102= (c.306C>T) as a likely benign variant.

Labcorp Genetics (formerly Invitae), Labcorp
Classification: Likely benign. Last evaluated: 2025-05-11. Review status: criteria provided, single submitter. Criteria: Invitae Variant Classification Sherloc (09022015). Collection method: clinical testing. Allele origin: germline.

JKU Lab, Dept of Paediatrics, Johannes Kepler University
Classification: Likely pathogenic for Hypophosphatasia. Last evaluated: 2025-04-24. Review status: criteria provided, single submitter. Criteria: ACMG Guidelines, 2015. Collection method: curation, in vitro. Allele origin: germline, not applicable. Affected: yes. Functional consequence: decreased enzyme activity.
Comment: This silent change variant is in GnomAD 4.1 with an allele frequency ƒ = 0.0000197. Splice-prediction algorithms predict no effect on splicing. The applied ACMG criteria can be viewed at an online resource

GeneDx
Classification: Uncertain significance. Last evaluated: 2022-11-01. Review status: criteria provided, single submitter. Criteria: GeneDx Variant Classification Process June 2021. Collection method: clinical testing. Allele origin: germline. Affected: yes.
Comment: Not observed at a significant frequency in large population cohorts (gnomAD); In silico analysis supports that this variant does not alter splicing; Has not been previously published as pathogenic or benign to our knowledge

Illumina Laboratory Services, Illumina
Classification: Uncertain significance for Hypophosphatasia. Last evaluated: 2017-04-27. Review status: criteria provided, single submitter. Criteria: ICSL Variant Classification Criteria 13 December 2019. Collection method: clinical testing. Allele origin: germline.

PreventionGenetics, part of Exact Sciences
Classification: Likely benign for ALPL-related condition. Last evaluated: 2019-05-21. Review status: no assertion criteria provided. Collection method: clinical testing. Allele origin: germline. Not counted in ClinVar's aggregate classification.
Comment: This variant is classified as likely benign based on ACMG/AMP sequence variant interpretation guidelines (Richards et al. 2015 PMID: 25741868, with internal and published modifications).

Literature cited by the submitters: PubMed 40386289 (cited by Genomenon, Inc).